The following is an entry in ClinVar:

NM_000198.4(HSD3B2):c.665C>A (p.Pro222Gln)

Gene: HSD3B2 (hydroxy-delta-5-steroid dehydrogenase, 3 beta- and steroid delta-isomerase 2; plus strand). Cytogenetic location: 1p12.
Variant type: single nucleotide variant.
Coding change: c.665C>A on transcript NM_000198.4 (MANE Select); coding-DNA position 665, C replaced by A.
Protein change: p.Pro222Gln; replaces proline 222 with glutamine.
Molecular consequence: missense variant.
Genome position (GRCh38, 1-based): chr1:119,422,166, C>A. VCF-style: chr1-119422166-C-A. GRCh37 (hg19) VCF-style: chr1-119964789-C-A.
Other names: c.665C>A, p.Pro222Gln (NM_001166120.2); short protein forms P222Q.
Identifiers: ClinVar variation 1722337 (VCV001722337.9), dbSNP rs765547422, ClinGen allele CA1036015.

ClinVar aggregate classification (germline): Pathogenic. Review status: criteria provided, multiple submitters, no conflicts (2 of 4 stars). 4 submissions from 4 submitters: Pathogenic (4). Last evaluated 2025-02-24.

Conditions:
Congenital adrenal hyperplasia. Identifiers: Orphanet 418, MedGen C0001627, MONDO:0018479, HP:0008258.
3 beta-Hydroxysteroid dehydrogenase deficiency. Also called: 3-BETA-HSD DEFICIENCY; ADRENAL HYPERPLASIA II; Congenital adrenal hyperplasia due to 3-beta-hydroxysteroid dehydrogenase deficiency; 3b-hydroxysteroid dehydrogenase deficiency; ADRENAL HYPERPLASIA, CONGENITAL, DUE TO 3-BETA-HYDROXYSTEROID DEHYDROGENASE 2 DEFICIENCY. Identifiers: Orphanet 90791, MedGen C0342471, MeSH C538236, MONDO:0008727, OMIM 201810. Disease mechanism: loss of function.

Allele frequency attached by ClinVar (database versions not stated): gnomAD exomes 0.00001; ExAC 0.00002.

Submissions (4):

Natera, Inc.
Classification: Pathogenic for 3 beta hydroxysteroid dehydrogenase deficiency. Last evaluated: 2025-02-24. Review status: criteria provided, single submitter. Criteria: Natera Variant Classification Schema (03/2026). Collection method: clinical testing. Allele origin: germline.
Comment: The c.665C>A variant in HSD3B2 is a missense variant predicted to cause substitution of proline to glutamine at amino acid 222. This variant is rare in the general population with a frequency below the threshold expected for the associated phenotype(s). This variant has been observed in one or more individuals affected with the associated recessive disease, as either homozygous or compound heterozygous with a second variant (PMID: 25211449, 15585552). Additionally, this variant has been observed to segregate in affected family members (PMID: 15585552). Given the available evidence, this variant is classified as Pathogenic.

Labcorp Genetics (formerly Invitae), Labcorp
Classification: Pathogenic. Last evaluated: 2024-10-10. Review status: criteria provided, single submitter. Criteria: Invitae Variant Classification Sherloc (09022015). Collection method: clinical testing. Allele origin: germline.
Comment: This sequence change replaces proline, which is neutral and non-polar, with glutamine, which is neutral and polar, at codon 222 of the HSD3B2 protein (p.Pro222Gln). This variant is present in population databases (rs765547422, gnomAD 0.006%). This missense change has been observed in individuals with congenital adrenal hyperplasia (PMID: 10599696, 15585552, 21340167, 25211449). ClinVar contains an entry for this variant (Variation ID: 1722337). Invitae Evidence Modeling of protein sequence and biophysical properties (such as structural, functional, and spatial information, amino acid conservation, physicochemical variation, residue mobility, and thermodynamic stability) indicates that this missense variant is expected to disrupt HSD3B2 protein function with a positive predictive value of 80%. Experimental studies have shown that this missense change affects HSD3B2 function (PMID: 10599696, 11196452). This variant disrupts the p.Pro222 amino acid residue in HSD3B2. Other variant(s) that disrupt this residue have been observed in individuals with HSD3B2-related conditions (PMID: 12050213), which suggests that this may be a clinically significant amino acid residue. For these reasons, this variant has been classified as Pathogenic.

Dasa
Classification: Pathogenic. Last evaluated: 2024-07-16. Review status: criteria provided, single submitter. Criteria: DASA Assertion Criteria. Collection method: clinical testing. Allele origin: germline.
Comment: NM_000198.4(HSD3B2):c.665C>A (p.Pro222Gln) is a missense variant that results in the substitution of proline with glutamine. Functional evidence supports a deleterious effect on the gene or gene product (PMID: 10599696; PMID: 21340167; PMID: 15585552). This variant has been recurrently observed in individuals with related phenotype (PMID: 10599696; PMID: 21340167; PMID: 15585552). Segregation evidence has been reported in affected families. The variant is present at low frequency in population datasets. Based on the available data, this variant is classified as pathogenic.

Women's Health and Genetics/Laboratory Corporation of America, LabCorp
Classification: Pathogenic for Congenital adrenal hyperplasia. Last evaluated: 2022-09-26. Review status: criteria provided, single submitter. Criteria: LabCorp Variant Classification Summary - May 2015. Collection method: clinical testing. Allele origin: germline.
Comment: Variant summary: HSD3B2 c.665C>A (p.Pro222Gln) results in a non-conservative amino acid change located in the 3-beta hydroxysteroid dehydrogenase/isomerase domain of the encoded protein sequence. Five of five in-silico tools predict a damaging effect of the variant on protein function. The variant allele was found at a frequency of 1.2e-05 in 251212 control chromosomes. c.665C>A has been reported in the literature in multiple individuals affected with Congenital Adrenal Hyperplasia. These data indicate that the variant is very likely to be associated with disease. At least one publication reports experimental evidence evaluating an impact on protein function. The most pronounced variant effect results in loss of normal activity (Moisan_1999). No clinical diagnostic laboratories have submitted clinical-significance assessments for this variant to ClinVar after 2014. Based on the evidence outlined above, the variant was classified as pathogenic.

Literature cited by the submitters: PubMed 25211449 (cited by 3 submitters); PubMed 15585552 (cited by 3 submitters); PubMed 10599696 (cited by 3 submitters); PubMed 21340167 (cited by Labcorp Genetics (formerly Invitae), Labcorp and Dasa); PubMed 11196452 (cited by Labcorp Genetics (formerly Invitae), Labcorp); PubMed 12050213 (cited by Labcorp Genetics (formerly Invitae), Labcorp).